The following is an entry in ClinVar:

ClinVar aggregate classification (germline): Pathogenic (1 of 4 stars; one submission).

Submission:

Labcorp Genetics (formerly Invitae), Labcorp
Classification: Pathogenic. Last evaluated: 2025-01-27. Review status: criteria provided, single submitter. Criteria: Invitae Variant Classification Sherloc (09022015). Collection method: clinical testing. Allele origin: germline.
Comment: This sequence change creates a premature translational stop signal (p.Met215Tyrfs*15) in the DRAM2 gene. While this is not anticipated to result in nonsense mediated decay, it is expected to disrupt the last 52 amino acid(s) of the DRAM2 protein. This variant is not present in population databases (gnomAD no frequency). This variant has not been reported in the literature in individuals affected with DRAM2-related conditions. ClinVar contains an entry for this variant (Variation ID: 1461350). This variant disrupts a region of the DRAM2 protein in which other variant(s) (p.Leu246Pro) have been determined to be pathogenic (PMID: 32483926, 35806404; internal data). This suggests that this is a clinically significant region of the protein, and that variants that disrupt it are likely to be disease-causing. For these reasons, this variant has been classified as Pathogenic.

Literature cited by the submitters: PubMed 32483926; PubMed 35806404.

NM_001349884.2(DRAM2):c.642dup (p.Met215fs)

Gene: DRAM2 (DNA damage regulated autophagy modulator 2; minus strand). Cytogenetic location: 1p13.3.
Variant type: Duplication.
Coding change: c.642dup on transcript NM_001349884.2 (MANE Select); coding-DNA position 642, one base duplicated (T; older notation c.642dupT).
Protein change: p.Met215fs; shifts the reading frame from methionine 215.
Molecular consequence: frameshift variant. On other transcripts: non-coding transcript variant (8).
Genome position (GRCh38, 1-based): chr1:111,118,856, A duplicated on the plus strand (T on the coding strand, the reverse complement: DRAM2 is on the minus strand). VCF-style (leftmost placement, unchanged base first): chr1-111118855-T-TA. GRCh37 (hg19) VCF-style: chr1-111661477-T-TA.
Other names: c.642dup, p.Met215fs (NM_001349881.2, NM_001349882.2, NM_001349885.2 and 1 more transcripts); c.372dup, p.Met125fs (NM_001349886.2, NM_001349887.2, NM_001349888.2); c.252dup, p.Met85fs (NM_001349889.2, NM_001349890.2, NM_001349891.2 and 2 more transcripts); short protein forms M85fs, M125fs, M215fs.
Identifiers: ClinVar variation 1461350 (VCV001461350.7), dbSNP rs2101005282, ClinGen allele CA2573130955.
Genomic context (GRCh38, chr1:111,118,855, plus strand): 5'-GCCTTCTTACCTGAAAATCACGAATGTAAGTCAGGAAAAAACCAAAGAAGGAAAATGACA[T>TA]AGACCATTCTGCTGCAGTAGTGATCATGTGAAGCACATAACCCTGAGTGATGGGAAAAAA-3'